The following is an entry in ClinVar:

ClinVar aggregate classification (germline): Uncertain significance (1 of 4 stars; one submission).

Submission:

GeneDx
Classification: Uncertain significance. Last evaluated: 2019-06-21. Review status: criteria provided, single submitter. Criteria: GeneDx Variant Classification Process June 2021. Collection method: clinical testing. Allele origin: germline. Affected: yes.
Comment: Not observed in large population cohorts (Lek et al., 2016); In silico analysis, which includes protein predictors and evolutionary conservation, supports that this variant does not alter protein structure/function; Has not been previously published as pathogenic or benign to our knowledge

NM_006662.3(SRCAP):c.8540C>T (p.Ala2847Val)

Gene: SRCAP (Snf2 related CREBBP activator protein; plus strand). Cytogenetic location: 16p11.2.
Variant type: single nucleotide variant.
Coding change: c.8540C>T on transcript NM_006662.3 (MANE Select); coding-DNA position 8540, C replaced by T.
Protein change: p.Ala2847Val; replaces alanine 2847 with valine.
Molecular consequence: missense variant.
Genome position (GRCh38, 1-based): chr16:30,738,580, C>T. VCF-style: chr16-30738580-C-T. GRCh37 (hg19) VCF-style: chr16-30749901-C-T.
Other names: short protein forms A2847V.
Identifiers: ClinVar variation 1306568 (VCV001306568.2), dbSNP rs2151300848, ClinGen allele CA395638067.
Genomic context (GRCh38, chr16:30,738,580, plus strand): 5'-CTCGCCGTCACATTGAGCTGGGGGTGACTGGTGGTGGCAGCCCCGAGAATGGAGACGGAG[C>T]ACTGCTCGCCATCACCCCACCTGCTGTGAAACGTCGGAGGGGGAGGCCCCCCAAGAAGAA-3'
Protein context (NP_006653.2, residues 2837-2857): GGGSPENGDG[Ala2847Val]LLAITPPAVK